The following is an entry in ClinVar:

ClinVar aggregate classification (germline): Uncertain significance (1 of 4 stars; one submission).

Conditions:
Primary ciliary dyskinesia 5. Also called: CILIARY DYSKINESIA, PRIMARY, 5, WITHOUT SITUS INVERSUS. Identifiers: Orphanet 244, MedGen C1837615, MONDO:0012088, OMIM 608647.

Submission:

Laboratorio de Genetica e Diagnostico Molecular, Hospital Israelita Albert Einstein
Classification: Uncertain significance for Primary ciliary dyskinesia 5. Last evaluated: 2025-03-20. Review status: criteria provided, single submitter. Criteria: ACMG Guidelines, 2015. Collection method: clinical testing. Allele origin: germline. Affected: yes.
Comment: ACMG classification criteria: PVS1 moderate, PM2 supporting

NM_001270974.2(HYDIN):c.12873+1G>A

Gene: HYDIN (HYDIN axonemal central pair apparatus protein; minus strand). Cytogenetic location: 16q22.2.
Variant type: single nucleotide variant.
Coding change: c.12873+1G>A on transcript NM_001270974.2 (MANE Select); the canonical splice donor site of the intron after coding-DNA position 12873, G replaced by A.
Molecular consequence: splice donor variant.
Genome position (GRCh38, 1-based): chr16:70,849,725, C>T on the plus strand (G>A on the coding strand, the complement: HYDIN is on the minus strand). VCF-style: chr16-70849725-C-T. GRCh37 (hg19) VCF-style: chr16-70883628-C-T.
Identifiers: ClinVar variation 4056782 (VCV004056782.1).